The following is an entry in ClinVar:

ClinVar aggregate classification (germline): Uncertain significance. Review status: criteria provided, multiple submitters, no conflicts (2 of 4 stars). 2 submissions from 2 submitters: Uncertain significance (2). Last evaluated 2024-05-12.

Conditions:
Inborn genetic diseases. Identifiers: MedGen C0950123, MeSH D030342.

Allele frequency attached by ClinVar (database versions not stated): TOPMed 0.00001; ExAC 0.00002.
gnomAD v4.1: 6 of 1,614,026 alleles (0.00037%); highest among the groups gnomAD compares: East Asian, 0.011%; no homozygotes.

Submissions (2):

Ambry Genetics
Classification: Uncertain significance for Inborn genetic diseases. Last evaluated: 2024-05-12. Review status: criteria provided, single submitter. Criteria: Ambry Variant Classification Scheme 2023. Collection method: clinical testing. Allele origin: germline.

Labcorp Genetics (formerly Invitae), Labcorp
Classification: Uncertain significance. Last evaluated: 2022-03-04. Review status: criteria provided, single submitter. Criteria: Invitae Variant Classification Sherloc (09022015). Collection method: clinical testing. Allele origin: germline.
Comment: This variant is present in population databases (rs771740670, gnomAD 0.02%). This sequence change replaces isoleucine, which is neutral and non-polar, with valine, which is neutral and non-polar, at codon 1532 of the SNRNP200 protein (p.Ile1532Val). This variant has not been reported in the literature in individuals affected with SNRNP200-related conditions. In summary, the available evidence is currently insufficient to determine the role of this variant in disease. Therefore, it has been classified as a Variant of Uncertain Significance. Algorithms developed to predict the effect of missense changes on protein structure and function (SIFT, PolyPhen-2, Align-GVGD) all suggest that this variant is likely to be tolerated.

NM_014014.5(SNRNP200):c.4594A>G (p.Ile1532Val)

Gene: SNRNP200 (small nuclear ribonucleoprotein U5 subunit 200; minus strand). Cytogenetic location: 2q11.2.
Variant type: single nucleotide variant.
Coding change: c.4594A>G on transcript NM_014014.5 (MANE Select); coding-DNA position 4594, A replaced by G.
Protein change: p.Ile1532Val; replaces isoleucine 1532 with valine.
Molecular consequence: missense variant.
Genome position (GRCh38, 1-based): chr2:96,283,704, T>C on the plus strand (A>G on the coding strand, the complement: SNRNP200 is on the minus strand). VCF-style: chr2-96283704-T-C. GRCh37 (hg19) VCF-style: chr2-96949442-T-C.
Other names: c.4594A>G (NM_014014.4); short protein forms I1532V.
Identifiers: ClinVar variation 2106461 (VCV002106461.5), dbSNP rs771740670, ClinGen allele CA1778167.